The following is an entry in ClinVar:

NM_001005242.3(PKP2):c.1286A>G (p.Asn429Ser)

Gene: PKP2 (plakophilin 2; minus strand). Cytogenetic location: 12p11.21.
Variant type: single nucleotide variant.
Coding change: c.1286A>G on transcript NM_001005242.3 (MANE Select); coding-DNA position 1286, A replaced by G.
Protein change: p.Asn429Ser; replaces asparagine 429 with serine.
Molecular consequence: missense variant.
Genome position (GRCh38, 1-based): chr12:32,850,858, T>C on the plus strand (A>G on the coding strand, the complement: PKP2 is on the minus strand). VCF-style: chr12-32850858-T-C. GRCh37 (hg19) VCF-style: chr12-33003792-T-C.
Other names: c.1286A>G, p.Asn429Ser (NM_004572.4); short protein forms N429S.
Identifiers: ClinVar variation 1444217 (VCV001444217.6), dbSNP rs2137862708, ClinGen allele CA384370172.
Genomic context (GRCh38, chr12:32,850,858, plus strand): 5'-GTTTGCTTCAGCACCTGGAGCAGCCGAGGTACCCCATTTAGTTCAGCCACCTCCAATTTG[T>C]TGTCATTGTCTTCAAATACTAAGTTTCTCAAGGCCCCACACACAGCTCGCTGAACGTCTT-3'
Protein context (NP_001005242.2, residues 419-439): LRNLVFEDND[Asn429Ser]KLEVAELNGV

ClinVar aggregate classification (germline): Uncertain significance (1 of 4 stars; one submission).

Conditions:
Arrhythmogenic right ventricular dysplasia 9 (ARVD9). Also called: Arrhythmogenic Right Ventricular Dysplasia/Cardiomyopathy 9; ARRHYTHMOGENIC RIGHT VENTRICULAR DYSPLASIA, FAMILIAL, 9. Identifiers: MedGen C1836906, MONDO:0012180, OMIM 609040.

Submission:

Labcorp Genetics (formerly Invitae), Labcorp
Classification: Uncertain significance for Arrhythmogenic right ventricular dysplasia 9. Last evaluated: 2021-09-06. Review status: criteria provided, single submitter. Criteria: Invitae Variant Classification Sherloc (09022015). Collection method: clinical testing. Allele origin: germline.
Comment: In summary, the available evidence is currently insufficient to determine the role of this variant in disease. Therefore, it has been classified as a Variant of Uncertain Significance. Algorithms developed to predict the effect of missense changes on protein structure and function (SIFT, PolyPhen-2, Align-GVGD) all suggest that this variant is likely to be disruptive. This variant has not been reported in the literature in individuals affected with PKP2-related conditions. This variant is not present in population databases (ExAC no frequency). This sequence change replaces asparagine with serine at codon 429 of the PKP2 protein (p.Asn429Ser). The asparagine residue is highly conserved and there is a small physicochemical difference between asparagine and serine.